The following is an entry in ClinVar:

NM_152383.5(DIS3L2):c.2289+1G>A

Gene: DIS3L2 (DIS3 like 3'-5' exoribonuclease 2; plus strand). Cytogenetic location: 2q37.1.
Variant type: single nucleotide variant.
Coding change: c.2289+1G>A on transcript NM_152383.5 (MANE Select); the canonical splice donor site of the intron after coding-DNA position 2289, G replaced by A.
Molecular consequence: splice donor variant. On other transcripts: intron variant (1).
Genome position (GRCh38, 1-based): chr2:232,334,500, G>A. VCF-style: chr2-232334500-G-A. GRCh37 (hg19) VCF-style: chr2-233199210-G-A.
Other names: c.1582-8845G>A (NM_001257281.2).
Identifiers: ClinVar variation 1520934 (VCV001520934.6), dbSNP rs2106354449, ClinGen allele CA350977885.
Genomic context (GRCh38, chr2:232,334,500, plus strand): 5'-ATGGCGTCCAAGCGCGTGCAGGAGCTCAGTACCAGTCTCTTCTTTGCTGTTCTGGTCAAG[G>A]TGAGCCCTCCAGCCTGGTGCCCCTCACCTCCCTCTGGCTCCCGACCCTCCTGGGCACCTG-3'

ClinVar aggregate classification (germline): Likely pathogenic (1 of 4 stars; one submission).

Conditions:
Perlman syndrome (PRLMNS). Identifiers: Orphanet 2849, MedGen C0796113, MONDO:0009965, OMIM 267000.

Submission:

Labcorp Genetics (formerly Invitae), Labcorp
Classification: Likely pathogenic for Perlman syndrome. Last evaluated: 2024-05-06. Review status: criteria provided, single submitter. Criteria: Invitae Variant Classification Sherloc (09022015). Collection method: clinical testing. Allele origin: germline.
Comment: This sequence change affects a donor splice site in intron 18 of the DIS3L2 gene. It is expected to disrupt RNA splicing. Variants that disrupt the donor or acceptor splice site typically lead to a loss of protein function (PMID: 16199547), and loss-of-function variants in DIS3L2 are known to be pathogenic (PMID: 22306653, 28328139). This variant is not present in population databases (gnomAD no frequency). This variant has not been reported in the literature in individuals affected with DIS3L2-related conditions. ClinVar contains an entry for this variant (Variation ID: 1520934). Algorithms developed to predict the effect of sequence changes on RNA splicing suggest that this variant may disrupt the consensus splice site. In summary, the currently available evidence indicates that the variant is pathogenic, but additional data are needed to prove that conclusively. Therefore, this variant has been classified as Likely Pathogenic.

Literature cited by the submitters: PubMed 16199547; PubMed 22306653; PubMed 28328139.